The following is an entry in ClinVar:

NM_020911.2(PLXNA4):c.1291C>T (p.Arg431Cys)

Gene: PLXNA4 (plexin A4; minus strand). Cytogenetic location: 7q32.3.
Variant type: single nucleotide variant.
Coding change: c.1291C>T on transcript NM_020911.2 (MANE Select); coding-DNA position 1291, C replaced by T.
Protein change: p.Arg431Cys; replaces arginine 431 with cysteine.
Molecular consequence: missense variant.
Genome position (GRCh38, 1-based): chr7:132,489,372, G>A on the plus strand (C>T on the coding strand, the complement: PLXNA4 is on the minus strand). VCF-style: chr7-132489372-G-A. GRCh37 (hg19) VCF-style: chr7-132174131-G-A.
Other names: c.1291C>T, p.Arg431Cys (NM_001105543.2, NM_001393897.1, NM_181775.4); short protein forms R431C.
Identifiers: ClinVar variation 3354614 (VCV003354614.1).

ClinVar aggregate classification (germline): Uncertain significance (0 of 4 stars; one submission).

Conditions:
PLXNA4-related disorder. Also called: PLXNA4-related condition.

gnomAD v4.1: 18 of 1,606,704 alleles (0.0011%); highest among the groups gnomAD compares: East Asian, 0.0045%; no homozygotes.

Submission:

PreventionGenetics, part of Exact Sciences
Classification: Uncertain significance for PLXNA4-related condition. Last evaluated: 2024-04-18. Review status: no assertion criteria provided. Collection method: clinical testing. Allele origin: germline.
Comment: The PLXNA4 c.1291C>T variant is predicted to result in the amino acid substitution p.Arg431Cys. To our knowledge, this variant has not been reported in the literature. This variant is reported in 0.0058% of alleles in individuals of Latino descent in gnomAD. At this time, the clinical significance of this variant is uncertain due to the absence of conclusive functional and genetic evidence.